The following is an entry in ClinVar:

ClinVar aggregate classification (germline): Uncertain significance (1 of 4 stars; one submission).

gnomAD v4.1: 8 of 1,613,882 alleles (0.0005%); highest among the groups gnomAD compares: Non-Finnish European, 0.00059%; no homozygotes.

Submission:

Labcorp Genetics (formerly Invitae), Labcorp
Classification: Uncertain significance. Last evaluated: 2024-05-28. Review status: criteria provided, single submitter. Criteria: Invitae Variant Classification Sherloc (09022015). Collection method: clinical testing. Allele origin: germline.
Comment: This sequence change replaces asparagine, which is neutral and polar, with lysine, which is basic and polar, at codon 1194 of the MYO3A protein (p.Asn1194Lys). This variant is not present in population databases (gnomAD no frequency). This variant has not been reported in the literature in individuals affected with MYO3A-related conditions. Advanced modeling of protein sequence and biophysical properties (such as structural, functional, and spatial information, amino acid conservation, physicochemical variation, residue mobility, and thermodynamic stability) performed at Invitae indicates that this missense variant is not expected to disrupt MYO3A protein function with a negative predictive value of 80%. In summary, the available evidence is currently insufficient to determine the role of this variant in disease. Therefore, it has been classified as a Variant of Uncertain Significance.

NM_017433.5(MYO3A):c.3582T>G (p.Asn1194Lys)

Gene: MYO3A (myosin IIIA; plus strand). Cytogenetic location: 10p12.1.
Variant type: single nucleotide variant.
Coding change: c.3582T>G on transcript NM_017433.5 (MANE Select); coding-DNA position 3582, T replaced by G.
Protein change: p.Asn1194Lys; replaces asparagine 1194 with lysine.
Molecular consequence: missense variant.
Genome position (GRCh38, 1-based): chr10:26,173,846, T>G. VCF-style: chr10-26173846-T-G. GRCh37 (hg19) VCF-style: chr10-26462775-T-G.
Other names: short protein forms N1194K.
Identifiers: ClinVar variation 3684710 (VCV003684710.2).